The following is an entry in ClinVar:

NM_177924.5(ASAH1):c.1120A>G (p.Ile374Val)

Gene: ASAH1 (N-acylsphingosine amidohydrolase 1; minus strand). Cytogenetic location: 8p22.
Variant type: single nucleotide variant.
Coding change: c.1120A>G on transcript NM_177924.5 (MANE Select); coding-DNA position 1120, A replaced by G.
Protein change: p.Ile374Val; replaces isoleucine 374 with valine.
Molecular consequence: missense variant.
Genome position (GRCh38, 1-based): chr8:18,057,602, T>C on the plus strand (A>G on the coding strand, the complement: ASAH1 is on the minus strand). VCF-style: chr8-18057602-T-C. GRCh37 (hg19) VCF-style: chr8-17915111-T-C.
Other names: c.1102A>G, p.Ile368Val (NM_001127505.3); c.925A>G, p.Ile309Val (NM_001363743.2); c.1168A>G, p.Ile390Val (NM_004315.6); c.1120A>G (NM_177924.3); short protein forms I368V, I374V, I390V, I309V.
Identifiers: ClinVar variation 1351164 (VCV001351164.5), dbSNP rs764463279, ClinGen allele CA370442703.

ClinVar aggregate classification (germline): Uncertain significance. Review status: criteria provided, multiple submitters, no conflicts (2 of 4 stars). 2 submissions from 2 submitters: Uncertain significance (2). Last evaluated 2025-08-23.

Conditions:
Inborn genetic diseases. Identifiers: MedGen C0950123, MeSH D030342.

Allele frequency attached by ClinVar (database versions not stated): gnomAD 0.00001.
gnomAD v4.1: 6 of 1,603,700 alleles (0.00037%); highest among the groups gnomAD compares: Admixed American, 0.01%; no homozygotes.

Submissions (2):

Ambry Genetics
Classification: Uncertain significance for Inborn genetic diseases. Last evaluated: 2025-08-23. Review status: criteria provided, single submitter. Criteria: Ambry Variant Classification Scheme 2023. Collection method: clinical testing. Allele origin: germline.

Labcorp Genetics (formerly Invitae), Labcorp
Classification: Uncertain significance. Last evaluated: 2025-01-06. Review status: criteria provided, single submitter. Criteria: Invitae Variant Classification Sherloc (09022015). Collection method: clinical testing. Allele origin: germline.
Comment: This sequence change replaces isoleucine, which is neutral and non-polar, with valine, which is neutral and non-polar, at codon 374 of the ASAH1 protein (p.Ile374Val). This variant is present in population databases (no rsID available, gnomAD 0.006%). This variant has not been reported in the literature in individuals affected with ASAH1-related conditions. ClinVar contains an entry for this variant (Variation ID: 1351164). Invitae Evidence Modeling of protein sequence and biophysical properties (such as structural, functional, and spatial information, amino acid conservation, physicochemical variation, residue mobility, and thermodynamic stability) indicates that this missense variant is not expected to disrupt ASAH1 protein function with a negative predictive value of 80%. In summary, the available evidence is currently insufficient to determine the role of this variant in disease. Therefore, it has been classified as a Variant of Uncertain Significance.